The following is an entry in ClinVar:

ClinVar aggregate classification (germline): Uncertain significance (1 of 4 stars; one submission).

Submission:

Labcorp Genetics (formerly Invitae), Labcorp
Classification: Uncertain significance. Last evaluated: 2022-08-31. Review status: criteria provided, single submitter. Criteria: Invitae Variant Classification Sherloc (09022015). Collection method: clinical testing. Allele origin: germline.
Comment: This sequence change creates a premature translational stop signal (p.Thr201Serfs*5) in the GABRB1 gene. It is expected to result in an absent or disrupted protein product. However, the current clinical and genetic evidence is not sufficient to establish whether loss-of-function variants in GABRB1 cause disease. In summary, the available evidence is currently insufficient to determine the role of this variant in disease. Therefore, it has been classified as a Variant of Uncertain Significance. ClinVar contains an entry for this variant (Variation ID: 1374140). This variant has not been reported in the literature in individuals affected with GABRB1-related conditions. This variant is not present in population databases (gnomAD no frequency).

NM_000812.4(GABRB1):c.598_601dup (p.Thr201fs)

Gene: GABRB1 (gamma-aminobutyric acid type A receptor subunit beta1; plus strand). Cytogenetic location: 4p12.
Variant type: Duplication.
Coding change: c.598_601dup on transcript NM_000812.4 (MANE Select); coding-DNA positions 598 to 601, 4 bases duplicated (GTCA; older notation c.598_601dupGTCA).
Protein change: p.Thr201fs; shifts the reading frame from threonine 201.
Molecular consequence: frameshift variant.
Genome position (GRCh38, 1-based): chr4:47,403,371-47,403,374, GTCA duplicated; duplicating any 4 consecutive bases within chr4:47,403,369-47,403,374 gives the same sequence; the c. name uses the placement nearest the transcript's 3' end. VCF-style (leftmost placement, unchanged base first): chr4-47403368-G-GCAGT. GRCh37 (hg19) VCF-style: chr4-47405385-G-GCAGT.
Other names: short protein forms T201fs.
Identifiers: ClinVar variation 1374140 (VCV001374140.6), dbSNP rs2110051477, ClinGen allele CA2573137873.